The following is an entry in ClinVar:

NM_004544.4(NDUFA10):c.*1229C>G

Gene: NDUFA10 (NADH:ubiquinone oxidoreductase subunit A10; minus strand). Cytogenetic location: 2q37.3.
Variant type: single nucleotide variant.
Coding change: c.*1229C>G on transcript NM_004544.4 (MANE Select); 1229 bases downstream of the stop codon, C replaced by G.
Molecular consequence: 3 prime UTR variant. On other transcripts: non-coding transcript variant (3).
Genome position (GRCh38, 1-based): chr2:239,959,889, G>C on the plus strand (C>G on the coding strand, the complement: NDUFA10 is on the minus strand). VCF-style: chr2-239959889-G-C. GRCh37 (hg19) VCF-style: chr2-240899306-G-C.
Other names: c.*1234C>G (NM_001322020.2).
Identifiers: ClinVar variation 335180 (VCV000335180.6), dbSNP rs55998047, ClinGen allele CA10613252.

ClinVar aggregate classification (germline): Benign. Review status: criteria provided, multiple submitters, no conflicts (2 of 4 stars). 3 submissions from 2 submitters: Benign (3). Last evaluated 2018-01-13.

Conditions:
Leigh syndrome (NULS). Also called: Leigh's syndrome; Leigh Syndrome (mtDNA deletion); Leigh Disease; Leigh's necrotizing encephalopathy; Leigh's disease; Subacute necrotizing encephalopathy. Identifiers: Orphanet 506, MedGen C2931891, MONDO:0009723, OMIM 256000.
Mitochondrial complex I deficiency, nuclear type 1. Also called: NADH-COENZYME Q REDUCTASE DEFICIENCY; MITOCHONDRIAL NADH DEHYDROGENASE COMPONENT OF COMPLEX I, DEFICIENCY OF. Identifiers: MedGen C6022305, MONDO:0100224, OMIM 252010.

Allele frequency attached by ClinVar (database versions not stated): TOPMed 0.17549; 1000 Genomes Project 30x 0.19628; 1000 Genomes Project 0.19788.
gnomAD v4.1: 127,594 of 984,846 alleles (13%); highest among the groups gnomAD compares: African/African-American, 25%; 9,024 homozygotes.

Submissions (3):

Illumina Laboratory Services, Illumina
Classification: Benign for Leigh syndrome. Last evaluated: 2018-01-13. Review status: criteria provided, single submitter. Criteria: ICSL Variant Classification Criteria 13 December 2019. Collection method: clinical testing. Allele origin: germline.
Comment: This variant was observed in the ICSL laboratory as part of a predisposition screen in an ostensibly healthy population. It had not been previously curated by ICSL or reported in the Human Gene Mutation Database (HGMD: prior to June 1st, 2018), and was therefore a candidate for classification through an automated scoring system. Utilizing variant allele frequency, disease prevalence and penetrance estimates, and inheritance mode, an automated score was calculated to assess if this variant is too frequent to cause the disease. Based on the score and internal cut-off values, a variant classified as benign is not then subjected to further curation. The score for this variant resulted in a classification of benign for this disease.

Illumina Laboratory Services, Illumina
Classification: Benign for Mitochondrial complex I deficiency, nuclear type 1. Last evaluated: 2018-01-13. Review status: criteria provided, single submitter. Criteria: ICSL Variant Classification Criteria 13 December 2019. Collection method: clinical testing. Allele origin: germline.
Comment: the same text as in the submission from Illumina Laboratory Services, Illumina above.

Breakthrough Genomics
Classification: Benign. Review status: criteria provided, single submitter. Criteria: ACMG Guidelines, 2015. Collection method: not provided. Allele origin: germline. Inheritance: Autosomal recessive inheritance. Affected: yes.